The following is an entry in ClinVar:

ClinVar aggregate classification (germline): Likely pathogenic (1 of 4 stars; one submission).

Conditions:
Hydrocephalus, nonsyndromic, autosomal recessive 2. Also called: Hydrocephalus, congenital, 2, with or without brain or eye anomalies. Identifiers: Orphanet 2185, MedGen C3554691, MONDO:0014085, OMIM 615219.

gnomAD v4.1: 1 of 1,603,428 alleles (0.000062%); highest among the groups gnomAD compares: Non-Finnish European, 0.000085%; no homozygotes.

Submission:

3billion
Classification: Likely pathogenic for Hydrocephalus, nonsyndromic, autosomal recessive 2. Last evaluated: 2023-10-10. Review status: criteria provided, single submitter. Criteria: ACMG Guidelines, 2015. Collection method: clinical testing. Allele origin: germline. Affected: yes.
Comment: The variant is not observed in the gnomAD v2.1.1 dataset. Predicted Consequence/Location: Stop-gained (nonsense): predicted to result in a loss or disruption of normal protein function through nonsense-mediated decay (NMD) or protein truncation. Multiple pathogenic variants are reported downstream of the variant. Therefore, this variant is classified as Likely pathogenic according to the recommendation of ACMG/AMP guideline.

NM_001378778.1(MPDZ):c.2888C>G (p.Ser963Ter)

Gene: MPDZ (multiple PDZ domain crumbs cell polarity complex component; minus strand). Cytogenetic location: 9p23.
Variant type: single nucleotide variant.
Coding change: c.2888C>G on transcript NM_001378778.1 (MANE Select); coding-DNA position 2888, C replaced by G.
Protein change: p.Ser963Ter; replaces serine 963 with a stop codon.
Molecular consequence: nonsense.
Genome position (GRCh38, 1-based): chr9:13,176,179, G>C on the plus strand (C>G on the coding strand, the complement: MPDZ is on the minus strand). VCF-style: chr9-13176179-G-C. GRCh37 (hg19) VCF-style: chr9-13176178-G-C.
Other names: c.2888C>G, p.Ser963Ter (NM_001261406.2, NM_001261407.2, NM_001330637.2 and 14 more transcripts); short protein forms S963*.
Identifiers: ClinVar variation 3775869 (VCV003775869.1).